The following is an entry in ClinVar:

NM_005422.4(TECTA):c.6115C>T (p.His2039Tyr)

Genes: TBCEL-TECTA (TBCEL-TECTA readthrough; plus strand), TECTA (tectorin alpha; plus strand). Cytogenetic location: 11q23.3.
Variant type: single nucleotide variant.
Coding change: c.6115C>T on transcript NM_005422.4 (MANE Select); coding-DNA position 6115, C replaced by T.
Protein change: p.His2039Tyr; replaces histidine 2039 with tyrosine.
Molecular consequence: missense variant.
Genome position (GRCh38, 1-based): chr11:121,187,947, C>T. VCF-style: chr11-121187947-C-T. GRCh37 (hg19) VCF-style: chr11-121058656-C-T.
Other names: c.7057C>T, p.His2353Tyr (NM_001378761.1); short protein forms H2039Y, H2353Y.
Identifiers: ClinVar variation 165369 (VCV000165369.6), dbSNP rs727503465, ClinGen allele CA178111.
Genomic context (GRCh38, chr11:121,187,947, plus strand): 5'-ACCTGTCGCTTTCACGTCACCGTCTTTAAATTCATAGGGGATTACGACGAAGTTCACCTT[C>T]ACTGTGCAGTGTCACTCTGCGACTCAGAAAAGTACTCCTGTAAAATCGTAAGTGAGAGTG-3'
Protein context (NP_005413.2, residues 2029-2049): FIGDYDEVHL[His2039Tyr]CAVSLCDSEK

ClinVar aggregate classification (germline): Uncertain significance. Review status: criteria provided, multiple submitters, no conflicts (2 of 4 stars). 2 submissions from 2 submitters: Uncertain significance (2). Last evaluated 2024-03-21.

Allele frequency attached by ClinVar (database versions not stated): gnomAD 0.00001.
gnomAD v4.1: 1 of 1,614,128 alleles (0.000062%); highest among the groups gnomAD compares: Admixed American, 0.0017%; no homozygotes.

Submissions (2):

GeneDx
Classification: Uncertain significance. Last evaluated: 2024-03-21. Review status: criteria provided, single submitter. Criteria: GeneDx Variant Classification Process June 2021. Collection method: clinical testing. Allele origin: germline. Affected: yes.
Comment: Not observed at significant frequency in large population cohorts (gnomAD); In silico analysis supports that this missense variant does not alter protein structure/function; This variant is associated with the following publications: (PMID: 21520338, 31554319, 9590290, 16718611, 35870179)

Laboratory for Molecular Medicine, Mass General Brigham Personalized Medicine
Classification: Uncertain significance. Last evaluated: 2015-08-14. Review status: criteria provided, single submitter. Criteria: LMM Criteria. Collection method: clinical testing. Allele origin: germline. Observed: 3 variant alleles.
Comment: The p.His2039Tyr variant in TECTA has been previously reported in 2 Hispanic si blings with hearing loss (LMM unpublished data) and was absent from large popula tion studies. Computational prediction tools and conservation analysis do not pr ovide strong support for or against an impact to the protein. In summary, the cl inical significance of the p.His2039Tyr variant is uncertain.